The following is an entry in ClinVar:

ClinVar aggregate classification (germline): Uncertain significance (1 of 4 stars; one submission).

Conditions:
GDF11-related disorder. Also called: GDF11-related condition.

Submission:

PreventionGenetics, part of Exact Sciences
Classification: Uncertain significance for GDF11-related condition. Last evaluated: 2026-05-02. Review status: criteria provided, single submitter. Criteria: ACMG Guidelines, 2015. Collection method: clinical testing. Allele origin: germline.
Comment: The GDF11 c.422C>G variant is predicted to result in the amino acid substitution p.Thr141Ser. To our knowledge, this variant has not been reported in the literature or in a large population database (gnomAD), indicating this variant is rare. At this time, the clinical significance of this variant is uncertain due to the absence of conclusive functional and genetic evidence.

NM_005811.5(GDF11):c.422C>G (p.Thr141Ser)

Gene: GDF11 (growth differentiation factor 11; plus strand). Cytogenetic location: 12q13.2.
Variant type: single nucleotide variant.
Coding change: c.422C>G on transcript NM_005811.5 (MANE Select); coding-DNA position 422, C replaced by G.
Protein change: p.Thr141Ser; replaces threonine 141 with serine.
Molecular consequence: missense variant.
Genome position (GRCh38, 1-based): chr12:55,743,738, C>G. VCF-style: chr12-55743738-C-G. GRCh37 (hg19) VCF-style: chr12-56137522-C-G.
Other names: short protein forms T141S.
Identifiers: ClinVar variation 4991411 (VCV004991411.1).